The following is an entry in ClinVar:

ClinVar aggregate classification (germline): Uncertain significance. Review status: criteria provided, multiple submitters, no conflicts (2 of 4 stars). 2 submissions from 2 submitters: Uncertain significance (2). Last evaluated 2025-08-30.

Conditions:
Inborn genetic diseases. Identifiers: MedGen C0950123, MeSH D030342.

gnomAD v4.1: 3 of 1,614,192 alleles (0.00019%); highest among the groups gnomAD compares: African/African-American, 0.0013%; no homozygotes.

Submissions (2):

Ambry Genetics
Classification: Uncertain significance for Inborn genetic diseases. Last evaluated: 2025-08-30. Review status: criteria provided, single submitter. Criteria: Ambry Variant Classification Scheme 2023. Collection method: clinical testing. Allele origin: germline.
Comment: The p.V1060F variant (also known as c.3178G>T), located in coding exon 13 of the ASXL1 gene, results from a G to T substitution at nucleotide position 3178. The valine at codon 1060 is replaced by phenylalanine, an amino acid with highly similar properties. This amino acid position is conserved. In addition, this alteration is predicted to be tolerated by in silico analysis. Based on the available evidence, the clinical significance of this variant remains unclear.

Labcorp Genetics (formerly Invitae), Labcorp
Classification: Uncertain significance. Last evaluated: 2024-03-07. Review status: criteria provided, single submitter. Criteria: Invitae Variant Classification Sherloc (09022015). Collection method: clinical testing. Allele origin: germline.
Comment: This sequence change replaces valine, which is neutral and non-polar, with phenylalanine, which is neutral and non-polar, at codon 1060 of the ASXL1 protein (p.Val1060Phe). This variant is not present in population databases (gnomAD no frequency). This variant has not been reported in the literature in individuals affected with ASXL1-related conditions. An algorithm developed to predict the effect of missense changes on protein structure and function (PolyPhen-2) suggests that this variant is likely to be disruptive. In summary, the available evidence is currently insufficient to determine the role of this variant in disease. Therefore, it has been classified as a Variant of Uncertain Significance.

NM_015338.6(ASXL1):c.3178G>T (p.Val1060Phe)

Gene: ASXL1 (ASXL transcriptional regulator 1; plus strand). Cytogenetic location: 20q11.21.
Variant type: single nucleotide variant.
Coding change: c.3178G>T on transcript NM_015338.6 (MANE Select); coding-DNA position 3178, G replaced by T.
Protein change: p.Val1060Phe; replaces valine 1060 with phenylalanine.
Molecular consequence: missense variant.
Genome position (GRCh38, 1-based): chr20:32,435,890, G>T. VCF-style: chr20-32435890-G-T. GRCh37 (hg19) VCF-style: chr20-31023693-G-T.
Other names: c.2995G>T, p.Val999Phe (NM_001363734.1); short protein forms V999F, V1060F.
Identifiers: ClinVar variation 3690026 (VCV003690026.3).
Genomic context (GRCh38, chr20:32,435,890, plus strand): 5'-TCTGCCCCACTGTCCAAGGTGAATGGTGACATGCGTCTGGTTACAAGGACAGATGGGATG[G>T]TTGCTCCTCAGAGCTGGGTGTCTCGAGTATGTGCGGTCCGCCAAAAGATCCCAGATTCCC-3'
Protein context (NP_056153.2, residues 1050-1070): MRLVTRTDGM[Val1060Phe]APQSWVSRVC